The following is an entry in ClinVar:

ClinVar aggregate classification (germline): Likely benign. Review status: criteria provided, multiple submitters, no conflicts (2 of 4 stars). 2 submissions from 2 submitters: Likely benign (2). Last evaluated 2026-09-23.

Conditions:
Neurofibromatosis, type 1 (NF1). Also called: VON RECKLINGHAUSEN DISEASE; Peripheral type neurofibromatosis; Neurofibromatosis, type I; NEUROFIBROMATOSIS, TYPE I, SOMATIC. Identifiers: Orphanet 636, MedGen C0027831, MONDO:0018975, OMIM 162200. Disease mechanism: loss of function.

Submissions (2):

Myriad Genetics, Inc.
Classification: Likely benign for Neurofibromatosis, type 1. Last evaluated: 2026-09-23. Review status: criteria provided, single submitter. Criteria: Myriad Autosomal Dominant, Autosomal Recessive and X-Linked Classification Criteria (2023). Collection method: clinical testing. Allele origin: unknown.
Comment: This variant is considered likely benign. This variant is intronic and is not expected to impact mRNA splicing.

Labcorp Genetics (formerly Invitae), Labcorp
Classification: Likely benign for Neurofibromatosis, type 1. Last evaluated: 2024-11-06. Review status: criteria provided, single submitter. Criteria: Invitae Variant Classification Sherloc (09022015). Collection method: clinical testing. Allele origin: germline.

NM_001042492.3(NF1):c.2252-15G>C

Gene: NF1 (neurofibromin 1; plus strand). Cytogenetic location: 17q11.2.
Variant type: single nucleotide variant.
Coding change: c.2252-15G>C on transcript NM_001042492.3 (MANE Select); 15 bases into the intron before coding-DNA position 2252, G replaced by C.
Molecular consequence: intron variant.
Genome position (GRCh38, 1-based): chr17:31,227,203, G>C. VCF-style: chr17-31227203-G-C. GRCh37 (hg19) VCF-style: chr17-29554221-G-C.
Other names: c.2252-15G>C (NM_000267.4).
Identifiers: ClinVar variation 2026047 (VCV002026047.5), dbSNP rs1225348649, ClinGen allele CA2580093182.
Genomic context (GRCh38, chr17:31,227,203, plus strand): 5'-TGGAGCTTATCAGGTTCTCCATTGGCAGGCAGGGCTCTAAGTGCAGTAACTTGATTTGCT[G>C]TTGTATTTGCTTAGGAAGAGCAGCACTTCAGAAAAGAGTGATGGCACTGCTGAGGCGCAT-3'